The following is an entry in ClinVar:

NC_000016.9:g.(?_2121059)_(2130344_?)del

Gene: TSC2 (TSC complex subunit 2; plus strand). Cytogenetic location: 16p13.3.
Variant type: Deletion.
Identifiers: ClinVar variation 3243478 (VCV003243478.1).

ClinVar aggregate classification (germline): Pathogenic (1 of 4 stars; one submission).

Conditions:
Tuberous sclerosis 2 (TSC2). Identifiers: Orphanet 805, MedGen C1860707, MONDO:0013199, OMIM 613254.

Submission:

Labcorp Genetics (formerly Invitae), Labcorp
Classification: Pathogenic for Tuberous sclerosis 2. Last evaluated: 2023-06-05. Review status: criteria provided, single submitter. Criteria: Invitae Variant Classification Sherloc (09022015). Collection method: clinical testing. Allele origin: unknown.
Comment: For these reasons, this variant has been classified as Pathogenic. This variant disrupts a region of the TSC2 protein in which other variant(s) (p.Arg622Trp) have been determined to be pathogenic (PMID: 20633017, 21309039, 21520333, 21846442, 22867869, 28211972). This suggests that this is a clinically significant region of the protein, and that variants that disrupt it are likely to be disease-causing. This variant has not been reported in the literature in individuals affected with TSC2-related conditions. This variant results in the deletion of exons 18-29 and part of exon 30 (c.1840-452_3576del) of the TSC2 gene. It is expected to disrupt RNA splicing. Variants that disrupt the donor or acceptor splice site typically lead to a loss of protein function (PMID: 16199547), and loss-of-function variants in TSC2 are known to be pathogenic (PMID: 10205261, 17304050).

Literature cited by the submitters: PubMed 20633017; PubMed 21309039; PubMed 21520333; PubMed 21846442; PubMed 22867869; PubMed 28211972; PubMed 16199547; PubMed 10205261; PubMed 17304050.